The following is an entry in ClinVar:

ClinVar aggregate classification (germline): Likely benign (1 of 4 stars; one submission).

Allele frequency attached by ClinVar (database versions not stated): 1000 Genomes Project 0.00180; 1000 Genomes Project 30x 0.00187; ESP Exome Variant Server 0.00223; gnomAD exomes 0.00336.
gnomAD v4.1: 5,270 of 1,613,880 alleles (0.33%); highest among the groups gnomAD compares: Non-Finnish European, 0.35%; 27 homozygotes.

Submission:

CeGaT Center for Human Genetics Tuebingen
Classification: Likely benign. Last evaluated: 2022-07-01. Review status: criteria provided, single submitter. Criteria: CeGaT Center For Human Genetics Tuebingen Variant Classification Criteria Version 2. Collection method: clinical testing. Allele origin: germline. Affected: yes. Observed: 1 variant allele.
Comment: POM121: BP4, BP7

NM_001387691.1(POM121):c.3060G>A (p.Ala1020=)

Gene: POM121 (POM121 transmembrane nucleoporin; plus strand). Cytogenetic location: 7q11.23.
Variant type: single nucleotide variant.
Coding change: c.3060G>A on transcript NM_001387691.1 (MANE Select); coding-DNA position 3060, G replaced by A.
Protein change: p.Ala1020=; no amino-acid change (alanine 1020 retained).
Molecular consequence: synonymous variant.
Genome position (GRCh38, 1-based): chr7:72,943,053, G>A. VCF-style: chr7-72943053-G-A. GRCh37 (hg19) VCF-style: chr7-72413592-G-A.
Other names: c.2265G>A, p.Ala755= (NM_001257190.3, NM_001387685.1, NM_001387686.1 and 10 more transcripts); c.2088G>A, p.Ala696= (NM_001367610.1, NM_001387701.1, NM_001387702.1 and 2 more transcripts); c.2883G>A, p.Ala961= (NM_001387692.1); c.2772G>A, p.Ala924= (NM_001387693.1); c.2283G>A, p.Ala761= (NM_001387694.1); c.1977G>A, p.Ala659= (NM_001387705.1).
Identifiers: ClinVar variation 2657547 (VCV002657547.24), dbSNP rs142905898, ClinGen allele CA4283748.